The following is an entry in ClinVar:

ClinVar aggregate classification (germline): Likely benign. Review status: criteria provided, single submitter (1 of 4 stars). 2 submissions from 2 submitters: Likely benign (1). 1 of the submissions does not count toward it. Last evaluated 2022-12-01.

Conditions:
LHX8-related disorder. Also called: LHX8-related condition.

Allele frequency attached by ClinVar (database versions not stated): 1000 Genomes Project 0.00240; ESP Exome Variant Server 0.00254; 1000 Genomes Project 30x 0.00312.

Submissions (2):

CeGaT Center for Human Genetics Tuebingen
Classification: Likely benign. Last evaluated: 2022-12-01. Review status: criteria provided, single submitter. Criteria: CeGaT Center For Human Genetics Tuebingen Variant Classification Criteria Version 2. Collection method: clinical testing. Allele origin: germline. Affected: yes. Observed: 1 variant allele.
Comment: LHX8: BS1

PreventionGenetics, part of Exact Sciences
Classification: Benign for LHX8-related condition. Last evaluated: 2019-02-18. Review status: no assertion criteria provided. Collection method: clinical testing. Allele origin: germline. Not counted in ClinVar's aggregate classification.
Comment: This variant is classified as benign based on ACMG/AMP sequence variant interpretation guidelines (Richards et al. 2015 PMID: 25741868, with internal and published modifications).

NM_001256114.2(LHX8):c.1A>C (p.Met1Leu)

Gene: LHX8 (LIM homeobox 8; plus strand). Cytogenetic location: 1p31.1.
Variant type: single nucleotide variant.
Coding change: c.1A>C on transcript NM_001256114.2 (MANE Select); coding-DNA position 1, A replaced by C.
Protein change: p.Met1Leu; changes the start codon (methionine 1).
Molecular consequence: missense variant, initiator codon variant.
Genome position (GRCh38, 1-based): chr1:75,136,615, A>C. VCF-style: chr1-75136615-A-C. GRCh37 (hg19) VCF-style: chr1-75602300-A-C.
Other names: c.31A>C, p.Met11Leu (NM_001001933.1); c.1A>C (NM_001256114.1); short protein forms M11L, M1L.
Identifiers: ClinVar variation 2638883 (VCV002638883.25), dbSNP rs116590034, ClinGen allele CA911784.